The following is an entry in ClinVar:

NM_003482.4(KMT2D):c.6903C>T (p.Pro2301=)

Gene: KMT2D (lysine methyltransferase 2D; minus strand). Cytogenetic location: 12q13.12.
Variant type: single nucleotide variant.
Coding change: c.6903C>T on transcript NM_003482.4 (MANE Select); coding-DNA position 6903, C replaced by T.
Protein change: p.Pro2301=; no amino-acid change (proline 2301 retained).
Molecular consequence: synonymous variant.
Genome position (GRCh38, 1-based): chr12:49,040,867, G>A on the plus strand (C>T on the coding strand, the complement: KMT2D is on the minus strand). VCF-style: chr12-49040867-G-A. GRCh37 (hg19) VCF-style: chr12-49434650-G-A.
Identifiers: ClinVar variation 3342164 (VCV003342164.16).

ClinVar aggregate classification (germline): Likely benign (1 of 4 stars; one submission).

Submission:

CeGaT Center for Human Genetics Tuebingen
Classification: Likely benign. Last evaluated: 2024-08-01. Review status: criteria provided, single submitter. Criteria: CeGaT Center For Human Genetics Tuebingen Variant Classification Criteria Version 2. Collection method: clinical testing. Allele origin: germline. Affected: yes. Observed: 1 variant allele.
Comment: KMT2D: PM2:Supporting, BP4, BP7